The following is an entry in ClinVar:

NM_000077.5(CDKN2A):c.315C>A (p.Asp105Glu)

Gene: CDKN2A (cyclin dependent kinase inhibitor 2A; minus strand). Cytogenetic location: 9p21.3.
Variant type: single nucleotide variant.
Coding change: c.315C>A on transcript NM_000077.5; coding-DNA position 315, C replaced by A.
Protein change: p.Asp105Glu; replaces aspartic acid 105 with glutamic acid.
Molecular consequence: missense variant (on NM_000077.6). On other transcripts: 3 prime UTR variant (1).
Genome position (GRCh38, 1-based): chr9:21,971,044, G>T on the plus strand (C>A on the coding strand, the complement: CDKN2A is on the minus strand). VCF-style: chr9-21971044-G-T. GRCh37 (hg19) VCF-style: chr9-21971043-G-T.
Other names: c.315C>A, p.Asp105Glu (NM_000077.6, NM_001195132.2); c.162C>A, p.Asp54Glu (NM_001363763.2); c.358C>A, p.Arg120Ser (NM_058195.4); c.*238C>A (NM_058197.5); short protein forms D105E, R120S, D54E.
Identifiers: ClinVar variation 406702 (VCV000406702.26), dbSNP rs763269347, ClinGen allele CA5012185.

ClinVar aggregate classification (germline): Conflicting classifications of pathogenicity. Review status: criteria provided, conflicting classifications (1 of 4 stars). 9 submissions from 9 submitters: Uncertain significance (7); Likely benign (1). 1 of the submissions does not count toward it. Last evaluated 2026-01-13.

Conditions:
Familial melanoma. Also called: Hereditary melanoma; Hereditary cutaneous melanoma. Identifiers: Orphanet 618, MedGen C1512419, MONDO:0018961.
Hereditary cancer-predisposing syndrome. Also called: Neoplastic Syndromes, Hereditary; Tumor predisposition; Hereditary Cancer Syndrome; Hereditary neoplastic syndrome. Identifiers: Orphanet 140162, MedGen C0027672, MeSH D009386, MONDO:0015356.
Melanoma and neural system tumor syndrome. Also called: MELANOMA-ASTROCYTOMA SYNDROME. Identifiers: Orphanet 252206, MedGen C1835042, MONDO:0007967, OMIM 155755.
Melanoma-pancreatic cancer syndrome. Identifiers: Orphanet 404560, MedGen C1838547, MONDO:0011713, OMIM 606719. Disease mechanism: loss of function.

Allele frequency attached by ClinVar (database versions not stated): gnomAD 0.00001; TOPMed 0.00002.
gnomAD v4.1: 20 of 1,605,504 alleles (0.0012%); highest among the groups gnomAD compares: East Asian, 0.04%; no homozygotes.

Submissions (9):

Labcorp Genetics (formerly Invitae), Labcorp
Classification: Uncertain significance for Familial melanoma. Last evaluated: 2026-01-13. Review status: criteria provided, single submitter. Criteria: Invitae Variant Classification Sherloc (09022015). Collection method: clinical testing. Allele origin: germline.
Comment: The CDKN2A gene encodes two different proteins, p16INK4a and p14ARF, which are translated from alternative transcripts with different open reading frames. Both transcripts have been analyzed. We report either the variant with the higher classification or default to the CDKN2A (p16INK4a) variant. This report therefore includes the details for the CDKN2A (p16INK4a) variant. This sequence change replaces aspartic acid, which is acidic and polar, with glutamic acid, which is acidic and polar, at codon 105 of the CDKN2A (p16INK4a) protein (p.Asp105Glu). This variant is present in population databases (rs763269347, gnomAD 0.04%). This missense change has been observed in individual(s) with CDKN2A-related cancer (PMID: 10229204, 25186627, 34069252). This variant is also known as c.358C>A (p.Arg120Ser) in the CDKN2A (p14ARF) transcript. ClinVar contains an entry for this variant (Variation ID: 406702). An algorithm developed to predict the effect of missense changes on protein structure and function (PolyPhen-2) suggests that this variant is likely to be tolerated. In summary, the available evidence is currently insufficient to determine the role of this variant in disease. Therefore, it has been classified as a Variant of Uncertain Significance.

Ambry Genetics
Classification: Uncertain significance for Hereditary cancer-predisposing syndrome. Last evaluated: 2025-08-05. Review status: criteria provided, single submitter. Criteria: Ambry Variant Classification Scheme 2023. Collection method: clinical testing. Allele origin: germline.
Comment: The p.D105E variant (also known as c.315C>A), located in coding exon 2 of the CDKN2A gene, results from a C to A substitution at nucleotide position 315. The aspartic acid at codon 105 is replaced by glutamic acid, an amino acid with highly similar properties. Of note, this alteration is also known as c.358C>A (p.R120S)in the p14(ARF) isoform. This alteration has been reported in the germline of an individual diagnosed with a sporadic cutaneous melanoma (Fujimoto A et al. Oncogene. 1999 Apr;18:2527-32). This amino acid position is well conserved in available vertebrate species. In addition, the in silico prediction for this alteration is inconclusive. Based on the available evidence, the clinical significance of this variant remains unclear.

Molecular Pathology, Peter Maccallum Cancer Centre
Classification: Uncertain significance for Melanoma-pancreatic cancer syndrome. Last evaluated: 2024-08-23. Review status: criteria provided, single submitter. Criteria: ACMG Guidelines, 2015. Collection method: clinical testing. Allele origin: germline. Inheritance: Autosomal dominant inheritance.

Baylor Genetics
Classification: Uncertain significance for Melanoma and neural system tumor syndrome. Last evaluated: 2023-11-20. Review status: criteria provided, single submitter. Criteria: ACMG Guidelines, 2015. Collection method: clinical testing. Allele origin: unknown.

Myriad Genetics, Inc.
Classification: Uncertain significance for Melanoma-pancreatic cancer syndrome. Last evaluated: 2023-04-20. Review status: criteria provided, single submitter. Criteria: Myriad Autosomal Dominant, Autosomal Recessive and X-Linked Classification Criteria (2023). Collection method: clinical testing. Allele origin: unknown.
Comment: This variant is classified as a variant of uncertain significance as there is insufficient evidence to determine its impact on protein function and/or cancer risk.

Quest Diagnostics Nichols Institute San Juan Capistrano
Classification: Uncertain significance. Last evaluated: 2021-07-16. Review status: criteria provided, single submitter. Criteria: Quest Diagnostics criteria. Collection method: clinical testing. Allele origin: unknown.

Color Diagnostics, LLC DBA Color Health
Classification: Likely benign for Hereditary cancer-predisposing syndrome. Last evaluated: 2020-04-07. Review status: criteria provided, single submitter. Criteria: ACMG Guidelines, 2015. Collection method: clinical testing. Allele origin: germline.

Mendelics
Classification: Uncertain significance for Melanoma-pancreatic cancer syndrome. Last evaluated: 2019-05-28. Review status: criteria provided, single submitter. Criteria: Mendelics Assertion Criteria 2017. Collection method: clinical testing. Allele origin: unknown.

Counsyl
Classification: Uncertain significance for Melanoma-pancreatic cancer syndrome. Last evaluated: 2018-04-11. Review status: no assertion criteria provided. Collection method: clinical testing. Allele origin: unknown. Not counted in ClinVar's aggregate classification.

Literature cited by the submitters: PubMed 10229204 (cited by 4 submitters); PubMed 25186627 (cited by 3 submitters); PubMed 34069252 (cited by Labcorp Genetics (formerly Invitae), Labcorp and Quest Diagnostics Nichols Institute San Juan Capistrano); PubMed 16354195 (cited by Quest Diagnostics Nichols Institute San Juan Capistrano).